The following is an entry in ClinVar:

ClinVar aggregate classification (germline): Uncertain significance (1 of 4 stars; one submission).

Conditions:
O'Donnell-Luria-Rodan syndrome (ODLURO). Also called: KMT2E-Related Neurodevelopmental Disorder. Identifiers: MedGen C5193138, MONDO:0032793, OMIM 618512.

Allele frequency attached by ClinVar (database versions not stated): gnomAD exomes 0.00001; ExAC 0.00002.

Submission:

Neuberg Centre For Genomic Medicine, NCGM
Classification: Uncertain significance for O'Donnell-Luria-Rodan syndrome. Review status: criteria provided, single submitter. Criteria: ACMG Guidelines, 2015. Collection method: clinical testing. Allele origin: germline. Inheritance: Autosomal dominant inheritance. Affected: yes.
Comment: The frameshift variant c.5483dup (p.Gln1829AlafsTer40) in KMT2E gene has not been reported previously as a pathogenic variant nor as a benign variant, to our knowledge. The p.Gln1829AlafsTer40 variant is novel (not in any individuals) in 1000 Genomes and allele frequency of 0.001993% is reported in gnomAD . This variant causes a frameshift starting with codon Glutamine 1829, changes this amino acid to Alanine residue, and creates a premature Stop codon at position 40 of the new reading frame, denoted p.Gln1829AlafsTer40. This variant is predicted to cause loss of normal protein function. Loss of function variants have been previously reported to be disease causing. Since this variant has been reported in the gnomAD database it has been labelled as Uncertain Significance.

NM_182931.3(KMT2E):c.5483dup (p.Gln1829fs)

Gene: KMT2E (lysine methyltransferase 2E (inactive); plus strand). Cytogenetic location: 7q22.3.
Variant type: Duplication.
Coding change: c.5483dup on transcript NM_182931.3 (MANE Select); coding-DNA position 5483, one base duplicated (A; older notation c.5483dupA).
Protein change: p.Gln1829fs; shifts the reading frame from glutamine 1829.
Molecular consequence: frameshift variant.
Genome position (GRCh38, 1-based): chr7:105,113,239, A duplicated. VCF-style (leftmost placement, unchanged base first): chr7-105113238-C-CA. GRCh37 (hg19) VCF-style: chr7-104753685-C-CA.
Other names: c.5357dup, p.Gln1787fs (NM_001410908.1); c.5483dup, p.Gln1829fs (NM_018682.4); short protein forms Q1829fs, Q1787fs.
Identifiers: ClinVar variation 2584941 (VCV002584941.1), dbSNP rs779241658, ClinGen allele CA4424993.